The following is an entry in ClinVar:

ClinVar aggregate classification (germline): Likely benign (1 of 4 stars; one submission).

Submission:

CeGaT Center for Human Genetics Tuebingen
Classification: Likely benign. Last evaluated: 2026-06-01. Review status: criteria provided, single submitter. Criteria: CeGaT Center For Human Genetics Tuebingen Variant Classification Criteria Version 2. Collection method: clinical testing. Allele origin: germline. Affected: yes. Observed: 1 variant allele.
Comment: RD3L: PM2:Supporting, BP4, BP7

NM_001257268.2(RD3L):c.234A>G (p.Glu78=)

Genes: RD3L (RD3 like; minus strand), TDRD9 (tudor domain containing 9; plus strand). Cytogenetic location: 14q32.33.
Variant type: single nucleotide variant.
Coding change: c.234A>G on transcript NM_001257268.2 (MANE Select); coding-DNA position 234, A replaced by G.
Protein change: p.Glu78=; no amino-acid change (glutamic acid 78 retained).
Molecular consequence: synonymous variant. On other transcripts: intron variant (1).
Genome position (GRCh38, 1-based): chr14:103,941,462, T>C on the plus strand (A>G on the coding strand, the complement: RD3L is on the minus strand). VCF-style: chr14-103941462-T-C. GRCh37 (hg19) VCF-style: chr14-104407799-T-C.
Other names: c.215+12738T>C (NM_153046.3).
Identifiers: ClinVar variation 4873734 (VCV004873734.2).